The following is an entry in ClinVar:

ClinVar aggregate classification (germline): Pathogenic. Review status: reviewed by expert panel (3 of 4 stars). 2 submissions from 2 submitters: Pathogenic (1). 1 of the submissions does not count toward it. Last evaluated 2016-10-18.

Conditions:
Breast-ovarian cancer, familial, susceptibility to, 1 (BROVCA1). Also called: BRCA1 Hereditary Breast and Ovarian Cancer; OVARIAN CANCER, SUSCEPTIBILITY TO. Identifiers: Orphanet 145, MedGen C2676676, MONDO:0011450, OMIM 604370. Disease mechanism: loss of function.

Submissions (2):

Evidence-based Network for the Interpretation of Germline Mutant Alleles (ENIGMA)
Classification: Pathogenic for Breast-ovarian cancer, familial, susceptibility to, 1. Last evaluated: 2016-10-18. Review status: reviewed by expert panel. Criteria: ENIGMA BRCA1/2 Classification Criteria (2015). Collection method: curation. Allele origin: germline.
Comment: Variant allele predicted to encode a truncated non-functional protein.

Consortium of Investigators of Modifiers of BRCA1/2 (CIMBA), c/o University of Cambridge
Classification: Pathogenic for Breast-ovarian cancer, familial, susceptibility to, 1. Last evaluated: 2015-10-02. Review status: criteria provided, single submitter. Criteria: CIMBA Mutation Classification guidelines May 2016. Collection method: clinical testing. Allele origin: germline. Not counted in ClinVar's aggregate classification.

NM_007294.4(BRCA1):c.1669del (p.Thr557fs)

Gene: BRCA1 (BRCA1 DNA repair associated; minus strand). Cytogenetic location: 17q21.31.
Variant type: Deletion.
Coding change: c.1669del on transcript NM_007294.4 (MANE Select); coding-DNA position 1669, one base deleted (A; older notation c.1669delA).
Protein change: p.Thr557fs; shifts the reading frame from threonine 557.
Molecular consequence: frameshift variant. On other transcripts: intron variant (137).
Genome position (GRCh38, 1-based): chr17:43,093,862, T deleted on the plus strand (A on the coding strand, the reverse complement: BRCA1 is on the minus strand); the first of 4 consecutive T bases (chr17:43,093,862-43,093,865); deleting any one gives the same sequence. VCF-style (leftmost placement, unchanged base first): chr17-43093861-GT-G. GRCh37 (hg19) VCF-style: chr17-41245878-GT-G.
Other names: 1788delA-ter571; c.1525del, p.Thr509fs (NM_001407844.1, NM_001407845.1, NM_001407846.1 and 20 more transcripts); c.1528del, p.Thr510fs (NM_001407850.1, NM_001407851.1, NM_001407852.1 and 29 more transcripts); c.1456del, p.Thr486fs (NM_001407853.1, NM_001407894.1, NM_001407895.1 and 9 more transcripts); c.1669del, p.Thr557fs (NM_001407854.1, NM_001407858.1, NM_001407859.1 and 30 more transcripts); c.1666del, p.Thr556fs (NM_001407860.1, NM_001407861.1, NM_001407591.1 and 22 more transcripts); c.1468del, p.Thr490fs (NM_001407862.1); c.1546del, p.Thr516fs (NM_001407863.1, NM_001407919.1, NM_001407937.1 and 19 more transcripts); and 42 more; short protein forms T510fs, T557fs, T389fs, T490fs, T556fs, T429fs, T446fs, T486fs.
Identifiers: ClinVar variation 266180 (VCV000266180.6), dbSNP rs886039962, ClinGen allele CA10589926.